The following is an entry in ClinVar:

NM_001270.4(CHD1):c.3133G>A (p.Glu1045Lys)

Gene: CHD1 (chromodomain helicase DNA binding protein 1; minus strand). Cytogenetic location: 5q15.
Variant type: single nucleotide variant.
Coding change: c.3133G>A on transcript NM_001270.4 (MANE Select); coding-DNA position 3133, G replaced by A.
Protein change: p.Glu1045Lys; replaces glutamic acid 1045 with lysine.
Molecular consequence: missense variant. On other transcripts: non-coding transcript variant (2).
Genome position (GRCh38, 1-based): chr5:98,879,656, C>T on the plus strand (G>A on the coding strand, the complement: CHD1 is on the minus strand). VCF-style: chr5-98879656-C-T. GRCh37 (hg19) VCF-style: chr5-98215360-C-T.
Other names: c.3133G>A, p.Glu1045Lys (NM_001364113.3, NM_001376194.2); short protein forms E1045K.
Identifiers: ClinVar variation 2429179 (VCV002429179.5), dbSNP rs2479520814, ClinGen allele CA360509217.

ClinVar aggregate classification (germline): Likely pathogenic (1 of 4 stars; one submission).

Conditions:
Pilarowski-Bjornsson syndrome. Also called: DEVELOPMENTAL DELAY AND SPEECH APRAXIA WITH OR WITHOUT SEIZURES. Identifiers: Orphanet 529965, MedGen C4540131, MONDO:0060568, OMIM 617682.

Submission:

Women's Health and Genetics/Laboratory Corporation of America, LabCorp
Classification: Likely pathogenic for Pilarowski-Bjornsson syndrome. Last evaluated: 2024-02-09. Review status: criteria provided, single submitter. Criteria: LabCorp Variant Classification Summary - May 2015. Collection method: clinical testing. Allele origin: germline.
Comment: Variant summary: CHD1 c.3133G>A (p.Glu1045Lys) results in a conservative amino acid change in the encoded protein sequence. Three of five in-silico tools predict a damaging effect of the variant on protein function. The variant was absent in 1,450,952 control chromosomes in the gnomAD v4 dataset (ACMG PM2). To our knowledge, no occurrence of c.3133G>A in individuals affected with Pilarowski-Bjornsson Syndrome and no experimental evidence demonstrating its impact on protein function have been reported in the literature. This variant was observed as a de-novo occurrence in at-least one individual who underwent a comprehensive epilepsy and mitochondrial evaluation panel at our laboratory (ACMG PS2). ClinVar contains an entry for this variant (Variation ID: 2429179). Based on the evidence outlined above (ACMG PS2 and PM2), the variant was classified as likely pathogenic.